The following is an entry in ClinVar:

NM_000891.3(KCNJ2):c.224C>T (p.Thr75Met)

Gene: KCNJ2 (potassium inwardly rectifying channel subfamily J member 2; plus strand). Cytogenetic location: 17q24.3.
Variant type: single nucleotide variant.
Coding change: c.224C>T on transcript NM_000891.3 (MANE Select); coding-DNA position 224, C replaced by T.
Protein change: p.Thr75Met; replaces threonine 75 with methionine.
Molecular consequence: missense variant.
Genome position (GRCh38, 1-based): chr17:70,175,263, C>T. VCF-style: chr17-70175263-C-T. GRCh37 (hg19) VCF-style: chr17-68171404-C-T.
Other names: p.T75M:ACG>ATG; c.224C>T (LRG_328t1); short protein forms T75M.
Identifiers: ClinVar variation 67565 (VCV000067565.17), dbSNP rs104894585, ClinGen allele CA302067.

ClinVar aggregate classification (germline): Pathogenic/Likely pathogenic. Review status: criteria provided, multiple submitters, no conflicts (2 of 4 stars). 7 submissions from 7 submitters: Pathogenic (5); Likely pathogenic (1). 1 of the submissions does not count toward it. Last evaluated 2026-10-12.

Conditions:
KCNJ2-related disorder. Also called: KCNJ2-related condition.
Cardiovascular phenotype. Identifiers: MedGen CN230736.
Familial long QT syndrome (RWS). Also called: Congenital long QT syndrome; Romano-Ward syndrome; VENTRICULAR FIBRILLATION WITH PROLONGED QT INTERVAL. Identifiers: Orphanet 768, MedGen C1141890, MONDO:0019171.
Andersen Tawil syndrome (LQT7). Also called: ANDERSEN CARDIODYSRHYTHMIC PERIODIC PARALYSIS; Andersen Syndrome; Potassium-sensitive periodic paralysis, ventricular ectopy, and dysmorphic features; LONG QT SYNDROME 7; PERIODIC PARALYSIS, POTASSIUM-SENSITIVE CARDIODYSRHYTHMIC TYPE. Identifiers: Orphanet 37553, MedGen C1563715, MONDO:0008222, OMIM 170390.
Short QT syndrome type 3. Identifiers: Orphanet 51083, MedGen C1865018, MONDO:0012314, OMIM 609622.

Submissions (7):

GeneDx
Classification: Pathogenic. Last evaluated: 2026-10-12. Review status: criteria provided, single submitter. Criteria: GeneDx Variant Classification Process June 2021. Collection method: clinical testing. Allele origin: germline.
Comment: Identified in several individuals with variable presentations of Andersen-Tawil syndrome (ATS) referred for genetic testing at GeneDx and in published literature and has been reported to segregate with disease in an affected relative of one of these probands (PMID: 16217063, 17341397, 23867365, 24861851); Published functional studies demonstrate a damaging effect via a dominant-negative effect and reduces channel function (PMID: 16217063, 17341397); Not observed at significant frequency in large population cohorts (gnomAD); In silico analysis supports that this missense variant has a deleterious effect on protein structure/function; This variant is associated with the following publications: (PMID: 17582433, 17341397, 23867365, 24861851, 22581653, 16217063, 30847666, 37589029, 35460302, 39411018)

Labcorp Genetics (formerly Invitae), Labcorp
Classification: Pathogenic for Short QT syndrome type 3; Andersen Tawil syndrome. Last evaluated: 2025-12-13. Review status: criteria provided, single submitter. Criteria: Invitae Variant Classification Sherloc (09022015). Collection method: clinical testing. Allele origin: germline.
Comment: This sequence change replaces threonine, which is neutral and polar, with methionine, which is neutral and non-polar, at codon 75 of the KCNJ2 protein (p.Thr75Met). This variant is not present in population databases (gnomAD no frequency). This missense change has been observed in individuals with clinical features of KCNJ2-related conditions (PMID: 15911703, 16217063, 17341397, 17582433, 18452873, 24861851). ClinVar contains an entry for this variant (Variation ID: 67565). Invitae Evidence Modeling of protein sequence and biophysical properties (such as structural, functional, and spatial information, amino acid conservation, physicochemical variation, residue mobility, and thermodynamic stability) indicates that this missense variant is expected to disrupt KCNJ2 protein function with a positive predictive value of 95%. Experimental studies have shown that this missense change affects KCNJ2 function (PMID: 16217063, 17341397, 17582433). This variant disrupts the p.Thr75 amino acid residue in KCNJ2. Other variant(s) that disrupt this residue have been observed in individuals with KCNJ2-related conditions (PMID: 12796536, 15276028, 15911703), which suggests that this may be a clinically significant amino acid residue. For these reasons, this variant has been classified as Pathogenic.

Dasa
Classification: Pathogenic. Last evaluated: 2025-04-12. Review status: criteria provided, single submitter. Criteria: DASA Assertion Criteria. Collection method: clinical testing. Allele origin: germline.
Comment: NM_000891.3(KCNJ2):c.224C>T (p.Thr75Met) is a missense variant that results in the substitution of threonine with methionine. The affected residue or protein region has prior evidence supporting clinical relevance. Functional evidence supports a deleterious effect on the gene or gene product (PMID: 12796536; PMID: 15276028; PMID: 15911703; PMID: 16217063; PMID: 17341397). This variant has been recurrently observed in individuals with related phenotype (PMID: 12796536; PMID: 15276028; PMID: 15911703; PMID: 16217063; PMID: 17341397). Multiple computational predictions support a deleterious effect on the gene or gene product. The variant is present at low frequency in population datasets. Based on the available data, this variant is classified as pathogenic.

PreventionGenetics, part of Exact Sciences
Classification: Pathogenic for KCNJ2-related condition. Last evaluated: 2025-01-02. Review status: criteria provided, single submitter. Criteria: ACMG Guidelines, 2015. Collection method: clinical testing. Allele origin: germline.
Comment: The KCNJ2 c.224C>T variant is predicted to result in the amino acid substitution p.Thr75Met. This variant was reported in individuals with Andersen syndrome or cleft palate (see, for example, Davies et al. 2005. PubMed ID: 16217063; Villar-Quiles et al. 2022. PubMed ID: 35460302; Wurfbain et al. 2023. PubMed ID: 37589029). This variant has not been reported in a large population database (gnomAD), indicating this variant is rare. A different amino acid change at this position (p.Thr75Arg) has been reported in individuals with Andersen syndrome (see, for example, Donaldson et al. 2003. PubMed ID: 12796536). Taken together, this variant is interpreted as pathogenic.

Ambry Genetics
Classification: Likely pathogenic for Cardiovascular phenotype. Last evaluated: 2024-05-02. Review status: criteria provided, single submitter. Criteria: Ambry Variant Classification Scheme 2023. Collection method: clinical testing. Allele origin: germline.
Comment: The p.T75M variant (also known as c.224C>T), located in coding exon 1 of the KCNJ2 gene, results from a C to T substitution at nucleotide position 224. The threonine at codon 75 is replaced by methionine, an amino acid with similar properties. This alteration has been reported in subjects with features of Andersen-Tawil syndrome (Zhang L et al. Circulation, 2005 May;111:2720-6; Tani Y et al. J Mol Cell Cardiol, 2007 Aug;43:187-96; Villar-Quiles RN et al. Eur J Neurol, 2022 Aug;29:2398-2411; Johnson JN et al. Heart Rhythm, 2008 May;5:704-9). This alteration also demonstartes an impact on protein function (Davies NP et al. Neurology, 2005 Oct;65:1083-9; Tani Y et al. J Mol Cell Cardiol, 2007 Aug;43:187-96). This amino acid position is highly conserved in available vertebrate species. In addition, this alteration is predicted to be deleterious by in silico analysis. This variant is considered to be rare based on population cohorts in the Genome Aggregation Database (gnomAD). Based on the majority of available evidence to date, this variant is likely to be pathogenic.

Blueprint Genetics
Classification: Pathogenic for KCNJ2-related disorders. Last evaluated: 2019-04-16. Review status: criteria provided, single submitter. Criteria: ACMG Guidelines, 2015. Collection method: clinical testing. Allele origin: germline. Affected: yes. Observed: 1 variant allele.

Cardiovascular Biomedical Research Unit, Royal Brompton & Harefield NHS Foundation Trust
No classification provided. Condition: Familial long QT syndrome. Review status: no classification provided. Collection method: literature only. Allele origin: germline. Not counted in ClinVar's aggregate classification.
Comment: This variant has been reported in the following publications (PMID:16217063;PMID:17582433).

Literature cited by the submitters: PubMed 15911703 (cited by 3 submitters); PubMed 16217063 (cited by 4 submitters); PubMed 17341397 (cited by Labcorp Genetics (formerly Invitae), Labcorp and Dasa); PubMed 17582433 (cited by 4 submitters); PubMed 18452873 (cited by 3 submitters); PubMed 24861851 (cited by Labcorp Genetics (formerly Invitae), Labcorp and Dasa); PubMed 12796536 (cited by Labcorp Genetics (formerly Invitae), Labcorp and Dasa); PubMed 15276028 (cited by Labcorp Genetics (formerly Invitae), Labcorp and Dasa); PubMed 35460302 (cited by Ambry Genetics); PubMed 22581653 (cited by Cardiovascular Biomedical Research Unit, Royal Brompton & Harefield NHS Foundation Trust).